The following is an entry in ClinVar:

ClinVar aggregate classification (germline): Uncertain significance (1 of 4 stars; one submission).

Conditions:
Autosomal recessive limb-girdle muscular dystrophy type 2J (LGMDR10). Also called: Limb-girdle muscular dystrophy, type 2J; MUSCULAR DYSTROPHY, LIMB-GIRDLE, AUTOSOMAL RECESSIVE 10. Identifiers: Orphanet 140922, MedGen C1837342, MONDO:0012127, OMIM 608807.
Dilated cardiomyopathy 1G (CMD1G). Identifiers: Orphanet 154, MedGen C1858763, MONDO:0011400, OMIM 604145.

gnomAD v4.1: 2 of 1,613,994 alleles (0.00012%); highest among the groups gnomAD compares: African/African-American, 0.0013%; no homozygotes.

Submission:

Labcorp Genetics (formerly Invitae), Labcorp
Classification: Uncertain significance for Dilated cardiomyopathy 1G; Autosomal recessive limb-girdle muscular dystrophy type 2J. Last evaluated: 2023-12-04. Review status: criteria provided, single submitter. Criteria: Invitae Variant Classification Sherloc (09022015). Collection method: clinical testing. Allele origin: germline.
Comment: This sequence change replaces aspartic acid, which is acidic and polar, with asparagine, which is neutral and polar, at codon 35635 of the TTN protein (p.Asp35635Asn). This variant is not present in population databases (gnomAD no frequency). This variant has not been reported in the literature in individuals affected with TTN-related conditions. Algorithms developed to predict the effect of missense changes on protein structure and function output the following: SIFT: "Not Available"; PolyPhen-2: "Not Available"; Align-GVGD: "Not Available". The asparagine amino acid residue is found in multiple mammalian species, which suggests that this missense change does not adversely affect protein function. This variant is located in the M band of TTN (PMID: 25589632). Non-truncating variants in this region may be relevant for neuromuscular disorders, but have not been definitively shown to cause cardiomyopathy (PMID: 23975875). In summary, the available evidence is currently insufficient to determine the role of this variant in disease. Therefore, it has been classified as a Variant of Uncertain Significance.

Literature cited by the submitters: PubMed 25589632; PubMed 23975875.

NM_001267550.2(TTN):c.106903G>A (p.Asp35635Asn)

Genes: TTN (titin; minus strand), TTN-AS1 (TTN antisense RNA 1; plus strand). Cytogenetic location: 2q31.2.
Variant type: single nucleotide variant.
Coding change: c.106903G>A on transcript NM_001267550.2 (MANE Select); coding-DNA position 106903, G replaced by A.
Protein change: p.Asp35635Asn; replaces aspartic acid 35635 with asparagine.
Molecular consequence: missense variant.
Genome position (GRCh38, 1-based): chr2:178,528,848, C>T on the plus strand (G>A on the coding strand, the complement: TTN is on the minus strand). VCF-style: chr2-178528848-C-T. GRCh37 (hg19) VCF-style: chr2-179393575-C-T.
Other names: c.101980G>A, p.Asp33994Asn (NM_001256850.1); c.79708G>A, p.Asp26570Asn (NM_003319.4); c.99199G>A, p.Asp33067Asn (NM_133378.4); c.80083G>A, p.Asp26695Asn (NM_133432.3); c.80284G>A, p.Asp26762Asn (NM_133437.4); short protein forms D26570N, D26762N, D35635N, D33067N, D26695N, D33994N.
Identifiers: ClinVar variation 2933624 (VCV002933624.3), dbSNP rs2468302761, ClinGen allele CA349402709.